The following is an entry in ClinVar:

ClinVar aggregate classification (germline): Pathogenic. Review status: criteria provided, multiple submitters, no conflicts (2 of 4 stars). 3 submissions from 3 submitters: Pathogenic (3). Last evaluated 2024-06-11.

Conditions:
Hereditary cancer-predisposing syndrome. Also called: Neoplastic Syndromes, Hereditary; Hereditary Cancer Syndrome; Tumor predisposition; Hereditary neoplastic syndrome. Identifiers: Orphanet 140162, MedGen C0027672, MeSH D009386, MONDO:0015356.
Familial cancer of breast. Also called: BREAST CANCER, FAMILIAL; Hereditary breast cancer; hereditary breast carcinoma. Identifiers: Orphanet 227535, MedGen C0346153, MONDO:0016419, OMIM 114480. Disease mechanism: loss of function.

Submissions (3):

Ambry Genetics
Classification: Pathogenic for Hereditary cancer-predisposing syndrome. Last evaluated: 2024-06-11. Review status: criteria provided, single submitter. Criteria: Ambry Variant Classification Scheme 2023. Collection method: clinical testing. Allele origin: germline.
Comment: The c.1047_1050delTCAA pathogenic mutation, located in coding exon 4 of the PALB2 gene, results from a deletion of 4 nucleotides at nucleotide positions 1047 to 1050, causing a translational frameshift with a predicted alternate stop codon (p.N349Kfs*6). This variant is considered to be rare based on population cohorts in the Genome Aggregation Database (gnomAD). This alteration is expected to result in loss of function by premature protein truncation or nonsense-mediated mRNA decay. As such, this alteration is interpreted as a disease-causing mutation.

Labcorp Genetics (formerly Invitae), Labcorp
Classification: Pathogenic for Familial cancer of breast. Last evaluated: 2024-02-22. Review status: criteria provided, single submitter. Criteria: Invitae Variant Classification Sherloc (09022015). Collection method: clinical testing. Allele origin: germline.
Comment: This sequence change creates a premature translational stop signal (p.Asn349Lysfs*6) in the PALB2 gene. It is expected to result in an absent or disrupted protein product. Loss-of-function variants in PALB2 are known to be pathogenic (PMID: 17200668, 17200671, 17200672, 24136930, 25099575). This variant is not present in population databases (gnomAD no frequency). This variant has not been reported in the literature in individuals affected with PALB2-related conditions. ClinVar contains an entry for this variant (Variation ID: 402287). For these reasons, this variant has been classified as Pathogenic.

Myriad Genetics, Inc.
Classification: Pathogenic for Familial cancer of breast. Last evaluated: 2023-09-07. Review status: criteria provided, single submitter. Criteria: Myriad Autosomal Dominant, Autosomal Recessive and X-Linked Classification Criteria (2023). Collection method: clinical testing. Allele origin: unknown.
Comment: This variant is considered pathogenic. This variant creates a frameshift predicted to result in premature protein truncation.

Literature cited by the submitters: PubMed 17200668 (cited by Labcorp Genetics (formerly Invitae), Labcorp); PubMed 17200671 (cited by Labcorp Genetics (formerly Invitae), Labcorp); PubMed 17200672 (cited by Labcorp Genetics (formerly Invitae), Labcorp); PubMed 24136930 (cited by Labcorp Genetics (formerly Invitae), Labcorp); PubMed 25099575 (cited by Labcorp Genetics (formerly Invitae), Labcorp).

NM_024675.4(PALB2):c.1047_1050del (p.Asn349fs)

Gene: PALB2 (partner and localizer of BRCA2; minus strand). Cytogenetic location: 16p12.2.
Variant type: Deletion.
Coding change: c.1047_1050del on transcript NM_024675.4 (MANE Select); coding-DNA positions 1047 to 1050, 4 bases deleted (TCAA; older notation c.1047_1050delTCAA).
Protein change: p.Asn349fs; shifts the reading frame from asparagine 349.
Molecular consequence: frameshift variant.
Genome position (GRCh38, 1-based): chr16:23,635,496-23,635,499, TTGA deleted on the plus strand (TCAA on the coding strand, the reverse complement: PALB2 is on the minus strand); deleting any 4 consecutive bases within chr16:23,635,496-23,635,501 gives the same sequence; the c. name uses the placement nearest the transcript's 3' end. VCF-style (leftmost placement, unchanged base first): chr16-23635495-TTTGA-T. GRCh37 (hg19) VCF-style: chr16-23646816-TTTGA-T.
Other names: c.1047_1050delTCAA (NM_024675.3); short protein forms N349fs.
Identifiers: ClinVar variation 402287 (VCV000402287.10), dbSNP rs1060499813, ClinGen allele CA16609601.